The following is an entry in ClinVar:

NM_018109.4(MTPAP):c.338A>T (p.Tyr113Phe)

Gene: MTPAP (mitochondrial poly(A) polymerase; minus strand). Cytogenetic location: 10p11.23.
Variant type: single nucleotide variant.
Coding change: c.338A>T on transcript NM_018109.4 (MANE Select); coding-DNA position 338, A replaced by T.
Protein change: p.Tyr113Phe; replaces tyrosine 113 with phenylalanine.
Molecular consequence: missense variant.
Genome position (GRCh38, 1-based): chr10:30,340,443, T>A on the plus strand (A>T on the coding strand, the complement: MTPAP is on the minus strand). VCF-style: chr10-30340443-T-A. GRCh37 (hg19) VCF-style: chr10-30629372-T-A.
Other names: short protein forms Y113F.
Identifiers: ClinVar variation 1524387 (VCV001524387.6), dbSNP rs1834788946, ClinGen allele CA376428230.

ClinVar aggregate classification (germline): Uncertain significance (1 of 4 stars; one submission).

Submission:

Labcorp Genetics (formerly Invitae), Labcorp
Classification: Uncertain significance. Last evaluated: 2022-07-18. Review status: criteria provided, single submitter. Criteria: Invitae Variant Classification Sherloc (09022015). Collection method: clinical testing. Allele origin: germline.
Comment: Algorithms developed to predict the effect of missense changes on protein structure and function output the following: SIFT: "Tolerated"; PolyPhen-2: "Benign"; Align-GVGD: "Class C0". The phenylalanine amino acid residue is found in multiple mammalian species, which suggests that this missense change does not adversely affect protein function. In summary, the available evidence is currently insufficient to determine the role of this variant in disease. Therefore, it has been classified as a Variant of Uncertain Significance. This sequence change replaces tyrosine, which is neutral and polar, with phenylalanine, which is neutral and non-polar, at codon 113 of the MTPAP protein (p.Tyr113Phe). This variant is not present in population databases (gnomAD no frequency). This variant has not been reported in the literature in individuals affected with MTPAP-related conditions. ClinVar contains an entry for this variant (Variation ID: 1524387).